The following is an entry in ClinVar:

ClinVar aggregate classification (germline): Uncertain significance (1 of 4 stars; one submission).

Submission:

Labcorp Genetics (formerly Invitae), Labcorp
Classification: Uncertain significance. Last evaluated: 2023-03-17. Review status: criteria provided, single submitter. Criteria: Invitae Variant Classification Sherloc (09022015). Collection method: clinical testing. Allele origin: germline.
Comment: ClinVar contains an entry for this variant (Variation ID: 1348404). In summary, the available evidence is currently insufficient to determine the role of this variant in disease. Therefore, it has been classified as a Variant of Uncertain Significance. Advanced modeling of protein sequence and biophysical properties (such as structural, functional, and spatial information, amino acid conservation, physicochemical variation, residue mobility, and thermodynamic stability) performed at Invitae indicates that this missense variant is expected to disrupt RXYLT1 protein function. This variant has not been reported in the literature in individuals affected with RXYLT1-related conditions. This variant is not present in population databases (gnomAD no frequency). This sequence change replaces tyrosine, which is neutral and polar, with serine, which is neutral and polar, at codon 111 of the RXYLT1 protein (p.Tyr111Ser).

NM_014254.3(RXYLT1):c.332A>C (p.Tyr111Ser)

Gene: RXYLT1 (ribitol xylosyltransferase 1; plus strand). Cytogenetic location: 12q14.2.
Variant type: single nucleotide variant.
Coding change: c.332A>C on transcript NM_014254.3 (MANE Select); coding-DNA position 332, A replaced by C.
Protein change: p.Tyr111Ser; replaces tyrosine 111 with serine.
Molecular consequence: missense variant. On other transcripts: 5 prime UTR variant (1).
Genome position (GRCh38, 1-based): chr12:63,784,976, A>C. VCF-style: chr12-63784976-A-C. GRCh37 (hg19) VCF-style: chr12-64178756-A-C.
Other names: c.-449A>C (NM_001278237.2); short protein forms Y111S.
Identifiers: ClinVar variation 1348404 (VCV001348404.8), dbSNP rs2136221861, ClinGen allele CA385584459.